The following is an entry in ClinVar:

NM_000264.5(PTCH1):c.1003A>C (p.Met335Leu)

Gene: PTCH1 (patched 1; minus strand). Cytogenetic location: 9q22.32.
Variant type: single nucleotide variant.
Coding change: c.1003A>C on transcript NM_000264.5 (MANE Select); coding-DNA position 1003, A replaced by C.
Protein change: p.Met335Leu; replaces methionine 335 with leucine.
Molecular consequence: missense variant. On other transcripts: non-coding transcript variant (1).
Genome position (GRCh38, 1-based): chr9:95,480,033, T>G on the plus strand (A>C on the coding strand, the complement: PTCH1 is on the minus strand). VCF-style: chr9-95480033-T-G. GRCh37 (hg19) VCF-style: chr9-98242315-T-G.
Other names: c.805A>C, p.Met269Leu (NM_001083602.3); c.1000A>C, p.Met334Leu (NM_001083603.3); c.550A>C, p.Met184Leu (NM_001083604.3, NM_001083605.3, NM_001083606.3 and 1 more transcripts); c.1003A>C, p.Met335Leu (NM_001354918.2); short protein forms M334L, M184L, M335L, M269L.
Identifiers: ClinVar variation 2107308 (VCV002107308.4), dbSNP rs2118392439, ClinGen allele CA374119697.
Genomic context (GRCh38, chr9:95,480,033, plus strand): 5'-CGAGTTTTCCAGTGCTGTTCTTGACTGTGCCACCCACAATCAACTCCTCCTGCCAGTGCA[T>G]ATACTTTCTGGATAAGCCATGACATCCACCATTCAAAACAAGGGCCATATCAAGAGGCTA-3'
Protein context (NP_000255.2, residues 325-345): GGCHGLSRKY[Met335Leu]HWQEELIVGG

ClinVar aggregate classification (germline): Uncertain significance (1 of 4 stars; one submission).

Conditions:
Gorlin syndrome. Also called: Basal cell nevus syndrome; Nevoid Basal Cell Carcinoma Syndrome. Identifiers: Orphanet 377, MedGen C0004779, MONDO:0007187.

Submission:

Labcorp Genetics (formerly Invitae), Labcorp
Classification: Uncertain significance for Gorlin syndrome. Last evaluated: 2022-03-06. Review status: criteria provided, single submitter. Criteria: Invitae Variant Classification Sherloc (09022015). Collection method: clinical testing. Allele origin: germline.
Comment: This sequence change replaces methionine, which is neutral and non-polar, with leucine, which is neutral and non-polar, at codon 335 of the PTCH1 protein (p.Met335Leu). This variant is not present in population databases (gnomAD no frequency). This variant has not been reported in the literature in individuals affected with PTCH1-related conditions. Algorithms developed to predict the effect of missense changes on protein structure and function are either unavailable or do not agree on the potential impact of this missense change (SIFT: "Tolerated"; PolyPhen-2: "Possibly Damaging"; Align-GVGD: "Class C0"). In summary, the available evidence is currently insufficient to determine the role of this variant in disease. Therefore, it has been classified as a Variant of Uncertain Significance.